The following is an entry in ClinVar:

ClinVar aggregate classification (germline): Uncertain significance (1 of 4 stars; one submission).

gnomAD v4.1: 5 of 1,614,068 alleles (0.00031%); highest among the groups gnomAD compares: Non-Finnish European, 0.00042%; no homozygotes.

Submission:

CeGaT Center for Human Genetics Tuebingen
Classification: Uncertain significance. Last evaluated: 2025-02-01. Review status: criteria provided, single submitter. Criteria: CeGaT Center For Human Genetics Tuebingen Variant Classification Criteria Version 2. Collection method: clinical testing. Allele origin: germline. Affected: yes. Observed: 1 variant allele.
Comment: KIF21A: PP3

NM_001173464.2(KIF21A):c.2554C>G (p.Leu852Val)

Gene: KIF21A (kinesin family member 21A; minus strand). Cytogenetic location: 12q12.
Variant type: single nucleotide variant.
Coding change: c.2554C>G on transcript NM_001173464.2 (MANE Select); coding-DNA position 2554, C replaced by G.
Protein change: p.Leu852Val; replaces leucine 852 with valine.
Molecular consequence: missense variant.
Genome position (GRCh38, 1-based): chr12:39,333,041, G>C on the plus strand (C>G on the coding strand, the complement: KIF21A is on the minus strand). VCF-style: chr12-39333041-G-C. GRCh37 (hg19) VCF-style: chr12-39726843-G-C.
Other names: c.2515C>G, p.Leu839Val (NM_001173463.2, NM_001378441.1, NM_017641.4); c.2446C>G, p.Leu816Val (NM_001173465.2); c.2554C>G, p.Leu852Val (NM_001378439.1, NM_001378440.1); short protein forms L816V, L839V, L852V.
Identifiers: ClinVar variation 3772448 (VCV003772448.13).